The following is an entry in ClinVar:

ClinVar aggregate classification (germline): Likely pathogenic. Review status: criteria provided, single submitter (1 of 4 stars). 2 submissions from 2 submitters: Likely pathogenic (1). 1 of the submissions does not count toward it. Last evaluated 2025-11-10.

Conditions:
Hereditary insensitivity to pain with anhidrosis (CIPA). Also called: HSAN Type IV; INSENSITIVITY TO PAIN, CONGENITAL, WITH ANHIDROSIS; hereditary sensory and autonomic neuropathy type 4; FAMILIAL DYSAUTONOMIA, TYPE II; NEUROPATHY, CONGENITAL SENSORY, WITH ANHIDROSIS; NTRK1 Congenital Insensitivity to Pain with Anhidrosis. Identifiers: Orphanet 642, MedGen C0020074, MONDO:0009746, OMIM 256800.

Allele frequency attached by ClinVar (database versions not stated): gnomAD exomes below 0.00001.
gnomAD v4.1: 2 of 1,550,606 alleles (0.00013%); highest among the groups gnomAD compares: Non-Finnish European, 0.00017%; no homozygotes.

Submissions (2):

Natera, Inc.
Classification: Likely pathogenic for Hereditary insensitivity to pain with anhidrosis. Last evaluated: 2025-11-10. Review status: criteria provided, single submitter. Criteria: Natera Variant Classification Schema (03/2026). Collection method: clinical testing. Allele origin: germline.
Comment: The c.717+4A>T variant in NTRK1 is an intronic variant located outside the canonical splice sites. This variant is rare in the general population with a frequency below the threshold expected for the associated phenotype(s). This variant has been observed in one or more individuals affected with the associated recessive disease, as either homozygous or compound heterozygous with a second variant (PMID: 27676246). Functional studies show that this variant may disrupt protein function (PMID: 30002500). Computational prediction algorithms indicate this variant is likely to affect gene or protein function. Given the available evidence, this variant is classified as Likely Pathogenic.

OMIM
Classification: Pathogenic for INSENSITIVITY TO PAIN, CONGENITAL, WITH ANHIDROSIS. Last evaluated: 2014-10-31. Review status: no assertion criteria provided. Collection method: literature only. Allele origin: germline. Not counted in ClinVar's aggregate classification.

Literature cited by the submitters: PubMed 27676246 (cited by Natera, Inc.); PubMed 30002500 (cited by Natera, Inc.); PubMed 25359976 (cited by OMIM).

NM_002529.4(NTRK1):c.717+4A>T

Gene: NTRK1 (neurotrophic receptor tyrosine kinase 1; plus strand). Cytogenetic location: 1q23.1.
Variant type: single nucleotide variant.
Coding change: c.717+4A>T on transcript NM_002529.4 (MANE Select); 4 bases into the intron after coding-DNA position 717, A replaced by T.
Molecular consequence: intron variant.
Genome position (GRCh38, 1-based): chr1:156,868,651, A>T. VCF-style: chr1-156868651-A-T. GRCh37 (hg19) VCF-style: chr1-156838443-A-T.
Other names: IVS6DS, A-T, +4; c.717+4A>T (NM_001012331.1, NM_001012331.2); c.627+4A>T (NM_001007792.1).
Identifiers: ClinVar variation 161442 (VCV000161442.5), dbSNP rs606231466, ClinGen allele CA272997.
Genomic context (GRCh38, chr1:156,868,651, plus strand): 5'-GGCCTGGAGCAGGCCGGCTGGATCCTCACAGAGCTGGAGCAGTCAGCCACGGTGATGGTG[A>T]GAAGACCTTCGCTGGCAGCCCCCAAGAGGTCCAGGCAGAGCACAGGGGACAAAGATGGGG-3'